The following is an entry in ClinVar:

ClinVar aggregate classification (germline): Likely benign (1 of 4 stars; one submission).

Conditions:
ISL1-related disorder. Also called: ISL1-related condition.

Submission:

PreventionGenetics, part of Exact Sciences
Classification: Likely benign for ISL1-related condition. Last evaluated: 2025-05-09. Review status: criteria provided, single submitter. Criteria: ACMG Guidelines, 2015. Collection method: clinical testing. Allele origin: germline.
Comment: This variant is classified as likely benign based on ACMG/AMP sequence variant interpretation guidelines (Richards et al. 2015 PMID: 25741868, with internal and published modifications).

NM_002202.3(ISL1):c.228G>A (p.Gly76=)

Gene: ISL1 (ISL LIM homeobox 1; plus strand). Cytogenetic location: 5q11.1.
Variant type: single nucleotide variant.
Coding change: c.228G>A on transcript NM_002202.3 (MANE Select); coding-DNA position 228, G replaced by A.
Protein change: p.Gly76=; no amino-acid change (glycine 76 retained).
Molecular consequence: synonymous variant.
Genome position (GRCh38, 1-based): chr5:51,387,499, G>A. VCF-style: chr5-51387499-G-A. GRCh37 (hg19) VCF-style: chr5-50683333-G-A.
Identifiers: ClinVar variation 4977181 (VCV004977181.1).